The following is an entry in ClinVar:

ClinVar aggregate classification (germline): Likely benign. Review status: criteria provided, single submitter (1 of 4 stars). 2 submissions from 2 submitters: Likely benign (1). 1 of the submissions does not count toward it. Last evaluated 2018-08-16.

Conditions:
UBR4-related disorder. Also called: UBR4-related condition.

Allele frequency attached by ClinVar (database versions not stated): gnomAD exomes 0.00051; ExAC 0.00068; 1000 Genomes Project 30x 0.00156; 1000 Genomes Project 0.00160; gnomAD 0.00198 and 0.00220; TOPMed 0.00241; ESP Exome Variant Server 0.00254.
gnomAD v4.1: 609 of 1,614,048 alleles (0.038%); highest among the groups gnomAD compares: African/African-American, 0.71%; 2 homozygotes.

Submissions (2):

Labcorp Genetics (formerly Invitae), Labcorp
Classification: Likely benign. Last evaluated: 2018-08-16. Review status: criteria provided, single submitter. Criteria: Invitae Variant Classification Sherloc (09022015). Collection method: clinical testing. Allele origin: germline.

PreventionGenetics, part of Exact Sciences
Classification: Benign for UBR4-related condition. Last evaluated: 2019-05-22. Review status: no assertion criteria provided. Collection method: clinical testing. Allele origin: germline. Not counted in ClinVar's aggregate classification.
Comment: This variant is classified as benign based on ACMG/AMP sequence variant interpretation guidelines (Richards et al. 2015 PMID: 25741868, with internal and published modifications).

NM_020765.3(UBR4):c.6072+5A>G

Genes: UBR4 (ubiquitin protein ligase E3 component n-recognin 4; minus strand), LOC126805643 (CDK7 strongly-dependent group 2 enhancer GRCh37_chr1:19482517-19483716; plus strand). Cytogenetic location: 1p36.13.
Variant type: single nucleotide variant.
Coding change: c.6072+5A>G on transcript NM_020765.3 (MANE Select); 5 bases into the intron after coding-DNA position 6072, A replaced by G.
Molecular consequence: intron variant.
Genome position (GRCh38, 1-based): chr1:19,156,266, T>C on the plus strand (A>G on the coding strand, the complement: UBR4 is on the minus strand). VCF-style: chr1-19156266-T-C. GRCh37 (hg19) VCF-style: chr1-19482760-T-C.
Identifiers: ClinVar variation 734105 (VCV000734105.5), dbSNP rs113068889, ClinGen allele CA650415.